The following continues an entry in ClinVar:

NM_001267550.2(TTN):c.67099T>C (p.Ser22367Pro)

ClinVar aggregate classification (germline): Conflicting classifications of pathogenicity. Uncertain significance (3); Benign (7); Likely benign (11).

Submissions 18 to 27 of 27:

GeneDx
Classification: Likely benign. Last evaluated: 2017-10-03. Review status: criteria provided, single submitter. Criteria: GeneDx Variant Classification (06012015). Collection method: clinical testing. Allele origin: germline. Affected: yes.
Comment: This variant is considered likely benign or benign based on one or more of the following criteria: it is a conservative change, it occurs at a poorly conserved position in the protein, it is predicted to be benign by multiple in silico algorithms, and/or has population frequency not consistent with disease.

Eurofins Ntd Llc (ga)
Classification: Likely benign. Last evaluated: 2015-10-14. Review status: criteria provided, single submitter. Criteria: EGL Classification Definitions 2015. Collection method: clinical testing. Allele origin: germline. Observed: 3 variant alleles, 3 heterozygotes.

Laboratory for Molecular Medicine, Mass General Brigham Personalized Medicine
Classification: Likely benign. Last evaluated: 2014-09-05. Review status: criteria provided, single submitter. Criteria: LMM Criteria. Collection method: clinical testing. Allele origin: germline. Observed: 12 variant alleles.
Comment: Ser19799Pro in exon 267 of TTN: This variant is not expected to have clinical si gnificance because it has been identified in 0.2% (15/8182) of European American chromosomes by the NHLBI Exome Sequencing Project (/EVS/); there is a lack of conservation across species, including mammals; and i t did not segregate with disease in 1 affected family member from 1 family.

Biesecker Lab/Clinical Genomics Section, National Institutes of Health
Classification: Benign. Last evaluated: 2013-06-24. Review status: criteria provided, single submitter. Criteria: Ng et al. (Circ Cardiovasc Genet. 2013). Collection method: research. Allele origin: unknown. Observed: 7 variant alleles. Study: ClinSeq.
Comment: The study set was not selected for affection status in relation to any cancer. Pathogenicity categories were based on literature curation. See Pubmed ID:23861362 for details.

Medical sequencing

PreventionGenetics, part of Exact Sciences
Classification: Likely benign for TTN-related condition. Last evaluated: 2021-03-02. Review status: no assertion criteria provided. Collection method: clinical testing. Allele origin: germline. Not counted in ClinVar's aggregate classification.
Comment: This variant is classified as likely benign based on ACMG/AMP sequence variant interpretation guidelines (Richards et al. 2015 PMID: 25741868, with internal and published modifications).

Clinical Genetics DNA and cytogenetics Diagnostics Lab, Erasmus MC, Erasmus Medical Center
Classification: Likely benign. Review status: no assertion criteria provided. Collection method: clinical testing. Allele origin: germline. Affected: yes. Study: VKGL Data-share Consensus. Not counted in ClinVar's aggregate classification.

Clinical Genetics, Academic Medical Center
Classification: Benign. Review status: no assertion criteria provided. Collection method: clinical testing. Allele origin: germline. Affected: yes. Study: VKGL Data-share Consensus. Not counted in ClinVar's aggregate classification.

Genome Diagnostics Laboratory, University Medical Center Utrecht
Classification: Likely benign. Review status: no assertion criteria provided. Collection method: clinical testing. Allele origin: germline. Affected: yes. Study: VKGL Data-share Consensus. Not counted in ClinVar's aggregate classification.

Joint Genome Diagnostic Labs from Nijmegen and Maastricht, Radboudumc and MUMC+
Classification: Likely benign. Review status: no assertion criteria provided. Collection method: clinical testing. Allele origin: germline. Affected: yes. Study: VKGL Data-share Consensus. Not counted in ClinVar's aggregate classification.

Practice for Gait Abnormalities, David Pomarino, Competency Network Toe Walking C/o Practice Pomarino
Classification: Likely pathogenic for Tip-toe gait. Review status: no assertion criteria provided. Collection method: clinical testing. Allele origin: germline. Affected: yes. Not counted in ClinVar's aggregate classification.
Comment: Myopathy refers to diseases that affect skeletal Muscles. These diseases attack muscle fibers, making muscles weak. Inherited myopathies are often caused by inheriting an abnormal gene mutation from a parent that causes the disease. Symptoms of congenital myopathies usually start at birth or in early childhood, but may not appear until the teen years or even later in adulthood. Congenital myopathies are somewhat unique compared with other inherited myopathies, as weakness typically affects all muscles and is often not progressive. Symptoms are: Muscle weakness, most commonly of upper arms and shoulders and thighs, muscle cramps, stiffness and spasms, fatigue with exertion and lack of energy. Our patients all walk on tiptoe, so they show similar symptoms. When we genetically test them with our toe walking panel, we find that around 90 per cent of them have a genetic variant that explains their toe walking. These can be assigned, for example, to the area of myopathies (such as variants of the COL6A3 gene), the area of hereditary neuropathies (such as variants of the KMT2C gene) or the area of metabolic diseases (such as variants of the PYGM gene). In a smaller group of patients with almost identical symptoms, no abnormality is found in the genes of our panel, but spastic paraplegia can be detected. In another small group of our toe walkers, no abnormalities can be detected in the genes analysed in our toe walking panel, nor do they suffer from spastic paraplegia, as is also the case with healthy children. In contrast to these, however, they show a tiptoe gait. These patients suffer from infantile cerebral palsy, in which toe walking can also be observed.

Literature cited by the submitters: PubMed 34740920 (cited by Mayo Clinic Laboratories, Mayo Clinic); PubMed 23396983 (cited by 3 submitters); PubMed 29099038 (cited by Women's Health and Genetics/Laboratory Corporation of America, LabCorp and Athena Diagnostics); PubMed 26516846 (cited by Women's Health and Genetics/Laboratory Corporation of America, LabCorp and Athena Diagnostics); PubMed 31481236 (cited by Women's Health and Genetics/Laboratory Corporation of America, LabCorp); PubMed 23861362 (cited by Athena Diagnostics and Ambry Genetics); PubMed 17344846 (cited by Athena Diagnostics); PubMed 37091313 (cited by Practice for Gait Abnormalities, David Pomarino, Competency Network Toe Walking C/o Practice Pomarino).